The following is an entry in ClinVar:

NM_015915.5(ATL1):c.1336C>T (p.Arg446Cys)

Gene: ATL1 (atlastin GTPase 1; plus strand). Cytogenetic location: 14q22.1.
Variant type: single nucleotide variant.
Coding change: c.1336C>T on transcript NM_015915.5 (MANE Select); coding-DNA position 1336, C replaced by T.
Protein change: p.Arg446Cys; replaces arginine 446 with cysteine.
Molecular consequence: missense variant.
Genome position (GRCh38, 1-based): chr14:50,628,247, C>T. VCF-style: chr14-50628247-C-T. GRCh37 (hg19) VCF-style: chr14-51094965-C-T.
Other names: c.1336C>T, p.Arg446Cys (NM_001127713.1, NM_181598.4); short protein forms R446C.
Identifiers: ClinVar variation 2159254 (VCV002159254.4), dbSNP rs2504577845, ClinGen allele CA389676073.

ClinVar aggregate classification (germline): Uncertain significance (1 of 4 stars; one submission).

Conditions:
Hereditary spastic paraplegia 3A (SPG3A). Also called: Spastic Paraplegia 3A; SPASTIC PARAPLEGIA 3, AUTOSOMAL DOMINANT; FAMILIAL SPASTIC PARAPLEGIA, AUTOSOMAL DOMINANT, 1; SPG3; STRUMPELL DISEASE; Spastic paraplegia 3A, autosomal dominant. Identifiers: Orphanet 100984, MedGen C2931355, MONDO:0008437, OMIM 182600.

Allele frequency attached by ClinVar (database versions not stated): gnomAD exomes below 0.00001.
gnomAD v4.1: 3 of 1,614,144 alleles (0.00019%); highest among the groups gnomAD compares: Non-Finnish European, 0.000085%; no homozygotes.

Submission:

Labcorp Genetics (formerly Invitae), Labcorp
Classification: Uncertain significance for Hereditary spastic paraplegia 3A. Last evaluated: 2022-07-06. Review status: criteria provided, single submitter. Criteria: Invitae Variant Classification Sherloc (09022015). Collection method: clinical testing. Allele origin: germline.
Comment: In summary, the available evidence is currently insufficient to determine the role of this variant in disease. Therefore, it has been classified as a Variant of Uncertain Significance. Algorithms developed to predict the effect of missense changes on protein structure and function (SIFT, PolyPhen-2, Align-GVGD) all suggest that this variant is likely to be disruptive. This variant has not been reported in the literature in individuals affected with ATL1-related conditions. This variant is not present in population databases (gnomAD no frequency). This sequence change replaces arginine, which is basic and polar, with cysteine, which is neutral and slightly polar, at codon 446 of the ATL1 protein (p.Arg446Cys).